The following is an entry in ClinVar:

ClinVar aggregate classification (germline): Uncertain significance (1 of 4 stars; one submission).

Submission:

GeneDx
Classification: Uncertain significance. Last evaluated: 2024-05-20. Review status: criteria provided, single submitter. Criteria: GeneDx Variant Classification Process June 2021. Collection method: clinical testing. Allele origin: germline. Affected: yes.
Comment: Not observed at significant frequency in large population cohorts (gnomAD); In silico analysis supports that this missense variant has a deleterious effect on protein structure/function; Has not been previously published as pathogenic or benign to our knowledge

NM_002430.3(MN1):c.3949G>A (p.Ala1317Thr)

Gene: MN1 (MN1 proto-oncogene, transcriptional regulator; minus strand). Cytogenetic location: 22q12.1.
Variant type: single nucleotide variant.
Coding change: c.3949G>A on transcript NM_002430.3 (MANE Select); coding-DNA position 3949, G replaced by A.
Protein change: p.Ala1317Thr; replaces alanine 1317 with threonine.
Molecular consequence: missense variant.
Genome position (GRCh38, 1-based): chr22:27,750,929, C>T on the plus strand (G>A on the coding strand, the complement: MN1 is on the minus strand). VCF-style: chr22-27750929-C-T. GRCh37 (hg19) VCF-style: chr22-28146917-C-T.
Other names: short protein forms A1317T.
Identifiers: ClinVar variation 3381444 (VCV003381444.1).
Genomic context (GRCh38, chr22:27,750,929, plus strand): 5'-AGGGGGAGAGGAAGGGCCTGGTAGAGGAGGGGATCTTTCTTGTCATTCAAGTTAGGGCAG[C>T]CACGAATGTCCCAAATCTGTTGGAGATGTCAGAATGCAGGGACCGCCAGGTGGGCACGGA-3'
Protein context (NP_002421.3, residues 1307-1320): DISNRFGTFV[Ala1317Thr]ALT